The following is an entry in ClinVar:

NM_138409.4(MRAP2):c.566T>A (p.Ile189Asn)

Gene: MRAP2 (melanocortin 2 receptor accessory protein 2; plus strand). Cytogenetic location: 6q14.2.
Variant type: single nucleotide variant.
Coding change: c.566T>A on transcript NM_138409.4 (MANE Select); coding-DNA position 566, T replaced by A.
Protein change: p.Ile189Asn; replaces isoleucine 189 with asparagine.
Molecular consequence: missense variant.
Genome position (GRCh38, 1-based): chr6:84,089,429, T>A. VCF-style: chr6-84089429-T-A. GRCh37 (hg19) VCF-style: chr6-84799148-T-A.
Other names: c.308T>A, p.Ile103Asn (NM_001346541.2); c.566T>A, p.Ile189Asn (NM_001346542.2, NM_001346544.2); c.401T>A, p.Ile134Asn (NM_001346543.2); short protein forms I103N, I134N, I189N.
Identifiers: ClinVar variation 4996001 (VCV004996001.1).

ClinVar aggregate classification (germline): Uncertain significance (1 of 4 stars; one submission).

Conditions:
MRAP2-related disorder. Also called: MRAP2-related condition.

Submission:

PreventionGenetics, part of Exact Sciences
Classification: Uncertain significance for MRAP2-related condition. Last evaluated: 2026-08-07. Review status: criteria provided, single submitter. Criteria: ACMG Guidelines, 2015. Collection method: clinical testing. Allele origin: germline.
Comment: The MRAP2 c.566T>A variant is predicted to result in the amino acid substitution p.Ile189Asn. To our knowledge, this variant has not been reported in the literature or in a large population database (gnomAD), indicating this variant is rare. At this time, the clinical significance of this variant is uncertain due to the absence of conclusive functional and genetic evidence.